The following is an entry in ClinVar:

NM_020750.3(XPO5):c.1501G>A (p.Val501Met)

Genes: POLR1C (RNA polymerase I and III subunit C; plus strand), XPO5 (exportin 5; minus strand). Cytogenetic location: 6p21.1.
Variant type: single nucleotide variant.
Coding change: c.1501G>A on transcript NM_020750.3 (MANE Select); coding-DNA position 1501, G replaced by A.
Protein change: p.Val501Met; replaces valine 501 with methionine.
Molecular consequence: missense variant. On other transcripts: non-coding transcript variant (1), intron variant (1).
Genome position (GRCh38, 1-based): chr6:43,553,444, C>T on the plus strand (G>A on the coding strand, the complement: XPO5 is on the minus strand). VCF-style: chr6-43553444-C-T. GRCh37 (hg19) VCF-style: chr6-43521181-C-T.
Other names: c.*42+2433C>T (NM_001363658.2); short protein forms V501M.
Identifiers: ClinVar variation 1977818 (VCV001977818.5), dbSNP rs1305801111, ClinGen allele CA364247496.
Genomic context (GRCh38, chr6:43,553,444, plus strand): 5'-GTGTTCGAAACATCTGGGTGATAACACTTTCCAAAAAAAGAGTCATGGCTTCCCACTGCA[C>T]GAATGAAGGTGAGAAGACGGAACAGAGGCTTCCTTCTCCAGTTCCAACTGCAGAACAAGC-3'
Protein context (NP_065801.1, residues 491-511): SLCSVFSPSF[Val501Met]QWEAMTLFLE

ClinVar aggregate classification (germline): Uncertain significance (1 of 4 stars; one submission).

Allele frequency attached by ClinVar (database versions not stated): gnomAD exomes 0.00001; gnomAD 0.00001.
gnomAD v4.1: 10 of 1,595,044 alleles (0.00063%); highest among the groups gnomAD compares: Admixed American, 0.0035%; no homozygotes.

Submission:

Labcorp Genetics (formerly Invitae), Labcorp
Classification: Uncertain significance. Last evaluated: 2022-04-29. Review status: criteria provided, single submitter. Criteria: Invitae Variant Classification Sherloc (09022015). Collection method: clinical testing. Allele origin: germline.
Comment: In summary, the available evidence is currently insufficient to determine the role of this variant in disease. Therefore, it has been classified as a Variant of Uncertain Significance. Algorithms developed to predict the effect of missense changes on protein structure and function are either unavailable or do not agree on the potential impact of this missense change (SIFT: "Tolerated"; PolyPhen-2: "Possibly Damaging"; Align-GVGD: "Class C0"). This variant has not been reported in the literature in individuals affected with XPO5-related conditions. The frequency data for this variant in the population databases is considered unreliable, as metrics indicate poor data quality at this position in the gnomAD database. This sequence change replaces valine, which is neutral and non-polar, with methionine, which is neutral and non-polar, at codon 501 of the XPO5 protein (p.Val501Met).